The following is an entry in ClinVar:

NM_002941.4(ROBO1):c.2486C>T (p.Thr829Ile)

Gene: ROBO1 (roundabout guidance receptor 1; minus strand). Cytogenetic location: 3p12.3.
Variant type: single nucleotide variant.
Coding change: c.2486C>T on transcript NM_002941.4 (MANE Select); coding-DNA position 2486, C replaced by T.
Protein change: p.Thr829Ile; replaces threonine 829 with isoleucine.
Molecular consequence: missense variant.
Genome position (GRCh38, 1-based): chr3:78,657,226, G>A on the plus strand (C>T on the coding strand, the complement: ROBO1 is on the minus strand). VCF-style: chr3-78657226-G-A. GRCh37 (hg19) VCF-style: chr3-78706376-G-A.
Other names: c.2378C>T, p.Thr793Ile (NM_001145845.2, NM_133631.4); short protein forms T793I, T829I.
Identifiers: ClinVar variation 4530971 (VCV004530971.1).

ClinVar aggregate classification (germline): Uncertain significance (1 of 4 stars; one submission).

Submission:

GeneDx
Classification: Uncertain significance. Last evaluated: 2025-05-19. Review status: criteria provided, single submitter. Criteria: GeneDx Variant Classification Process June 2021. Collection method: clinical testing. Allele origin: germline. Affected: yes.
Comment: Not observed at significant frequency in large population cohorts (gnomAD); In silico analysis supports that this missense variant has a deleterious effect on protein structure/function; Has not been previously published as pathogenic or benign to our knowledge